The following is an entry in ClinVar:

ClinVar aggregate classification (germline): Pathogenic. Review status: criteria provided, multiple submitters, no conflicts (2 of 4 stars). 12 submissions from 12 submitters: Pathogenic (9). 3 of the submissions do not count toward it. Last evaluated 2024-08-10.

Conditions:
CEP290-related ciliopathy. Also called: CEP290 ciliopathy. Identifiers: MedGen CN305601, MONDO:0100451.
Leber congenital amaurosis (LCA). Also called: Leber's amaurosis. Identifiers: Orphanet 65, MedGen C0339527, MeSH D057130, MONDO:0018998.
Meckel-Gruber syndrome. Also called: Dysencephalia splachnocystica; DYSENCEPHALIA SPLANCHNOCYSTICA; GRUBER SYNDROME. Identifiers: Orphanet 564, MedGen C0265215, MONDO:0018921.
Nephronophthisis. Also called: Juvenile Nephronophthisis. Identifiers: Orphanet 655, MedGen C0687120, MONDO:0019005, HP:0000090.
Joubert syndrome. Also called: JOUBERT-BOLTSHAUSER SYNDROME; Familial aplasia of the vermis. Identifiers: Orphanet 475, MedGen C5979921, MONDO:0018772.
Retinal dystrophy. Also called: Inherited retinal dystrophy. Identifiers: Orphanet 71862, MedGen C0854723, MeSH D058499, MONDO:0019118, HP:0000556.
Meckel syndrome, type 4 (MKS4). Also called: MECKEL-GRUBER SYNDROME, TYPE 4. Identifiers: Orphanet 564, MedGen C1970161, MONDO:0012626, OMIM 611134.
Bardet-Biedl syndrome 14 (BBS14). Identifiers: Orphanet 110, MedGen C2673874, MONDO:0014442, OMIM 615991.
CEP290-related disorder. Also called: CEP290-related condition; CEP290-related disorders. Identifiers: MedGen CN239314.

Allele frequency attached by ClinVar (database versions not stated): gnomAD 0.00001; gnomAD exomes 0.00001.
gnomAD v4.1: 10 of 1,613,738 alleles (0.00062%); highest among the groups gnomAD compares: African/African-American, 0.0013%; no homozygotes.

Submissions (12):

Myriad Genetics, Inc.
Classification: Pathogenic for CEP290-related ciliopathy. Last evaluated: 2024-08-10. Review status: criteria provided, single submitter. Criteria: Myriad Autosomal Dominant, Autosomal Recessive and X-Linked Classification Criteria (2023). Collection method: clinical testing. Allele origin: unknown.
Comment: NM_025114.3(CEP290):c.3811C>T(R1271*) is expected to be pathogenic in the context of CEP290-related disorders. This variant is predicted to lead to an abnormal or absent protein product due to the creation of a premature termination codon in CEP290, a gene where loss-of-function variants are known to be pathogenic. Please note: this variant was assessed in the context of healthy population screening.

3billion
Classification: Pathogenic for CEP290-related disorder. Last evaluated: 2024-07-23. Review status: criteria provided, single submitter. Criteria: ACMG Guidelines, 2015. Collection method: clinical testing. Allele origin: germline. Affected: yes.
Comment: The variant is observed at an extremely low frequency in the gnomAD v4.0.0 dataset (total allele frequency: <0.001%). Predicted Consequence/Location: Stop-gained (nonsense): predicted to result in a loss or disruption of normal protein function through nonsense-mediated decay (NMD) or protein truncation. Multiple pathogenic variants are reported downstream of the variant. The variant has been reported at least twice as pathogenic with clinical assertions and evidence for the classification (ClinVar ID: VCV000950504 /PMID: 17564967 /3billion dataset). Therefore, this variant is classified as Pathogenic according to the recommendation of ACMG/AMP guideline.

Natera, Inc.
Classification: Pathogenic for Leber congenital amaurosis. Last evaluated: 2024-03-14. Review status: criteria provided, single submitter. Criteria: Natera Variant Classification Schema (03/2026). Collection method: clinical testing. Allele origin: germline.
Comment: The c.3811C>T variant in CEP290 is a nonsense variant predicted to introduce a stop codon at amino acid 1271. This variant is expected to result in nonsense mediated decay, truncation, or a dysfunctional protein product. This variant is rare in the general population with a frequency below the threshold expected for the associated phenotype(s). This variant has been observed in one or more individuals affected with the associated recessive disease, as either homozygous or compound heterozygous with a second variant (PMID: 26047050, 23847139, 17617513). Additionally, this variant has been observed to segregate in affected family members (PMID: 17617513). Given the available evidence, this variant is classified as Pathogenic.

Baylor Genetics
Classification: Pathogenic for Bardet-Biedl syndrome 14. Last evaluated: 2024-01-02. Review status: criteria provided, single submitter. Criteria: ACMG Guidelines, 2015. Collection method: clinical testing. Allele origin: unknown.

Labcorp Genetics (formerly Invitae), Labcorp
Classification: Pathogenic for Joubert syndrome; Meckel-Gruber syndrome; Nephronophthisis. Last evaluated: 2023-11-04. Review status: criteria provided, single submitter. Criteria: Invitae Variant Classification Sherloc (09022015). Collection method: clinical testing. Allele origin: germline.
Comment: This sequence change creates a premature translational stop signal (p.Arg1271*) in the CEP290 gene. It is expected to result in an absent or disrupted protein product. Loss-of-function variants in CEP290 are known to be pathogenic (PMID: 16909394, 17345604, 20690115). This variant is present in population databases (no rsID available, gnomAD 0.002%). This premature translational stop signal has been observed in individual(s) with CEP290-related disease (PMID: 17617513, 23847139). In at least one individual the data is consistent with being in trans (on the opposite chromosome) from a pathogenic variant. It has also been observed to segregate with disease in related individuals. ClinVar contains an entry for this variant (Variation ID: 950504). For these reasons, this variant has been classified as Pathogenic.

GeneDx
Classification: Pathogenic. Last evaluated: 2023-09-19. Review status: criteria provided, single submitter. Criteria: GeneDx Variant Classification Process June 2021. Collection method: clinical testing. Allele origin: germline. Affected: yes.
Comment: Nonsense variant predicted to result in protein truncation or nonsense mediated decay in a gene for which loss of function is a known mechanism of disease; Not observed at significant frequency in large population cohorts (gnomAD); This variant is associated with the following publications: (PMID: 23847139, 21866095, 25525159, 31734136, 17617513, 31964843, 26047050, 19466712, 17564967, 33308271, 32531858, 34196655)

Institute of Human Genetics, Univ. Regensburg, Univ. Regensburg
Classification: Pathogenic for Retinal dystrophy. Last evaluated: 2022-01-01. Review status: criteria provided, single submitter. Criteria: ACMG Guidelines, 2015. Collection method: clinical testing. Allele origin: germline. Affected: yes.

Blueprint Genetics
Classification: Pathogenic for CEP290-related disorders. Last evaluated: 2021-08-11. Review status: criteria provided, single submitter. Criteria: ACMG Guidelines, 2015. Collection method: clinical testing. Allele origin: germline. Affected: yes. Observed: 1 variant allele.

Neuberg Centre For Genomic Medicine, NCGM
Classification: Pathogenic for Meckel syndrome, type 4. Review status: criteria provided, single submitter. Criteria: ACMG Guidelines, 2015. Collection method: clinical testing. Allele origin: germline. Inheritance: Autosomal recessive inheritance. Affected: yes.
Comment: The stop gain c.3811C>T p.Arg1271Ter variant in CEP290 gene has been previously reported in compound heteroygous state in individuals affected with CEP290-related disorder Helou et al. 2007; Wang et al. 2013. The c.3811C>T variant is reported with an allele frequency of 0.0008% in the gnomAD exomes database and is novel not in any individuals in 1000 Genomes database. This variant has been reported to the ClinVar database as Pathogenic multiple submissions. The nucleotide change c.3811C>T in CEP290 is predicted as conserved by GERP++ and PhyloP across 100 vertebrates. This variant is predicted to cause loss of normal protein function through protein truncation. Loss of function variants have been previously reported to be disease causing. For these reasons, this variant has been classified as Pathogenic.

Clinical Genetics, Academic Medical Center
Classification: Pathogenic. Review status: no assertion criteria provided. Collection method: clinical testing. Allele origin: germline. Affected: yes. Study: VKGL Data-share Consensus. Not counted in ClinVar's aggregate classification.

Diagnostic Laboratory, Department of Genetics, University Medical Center Groningen
Classification: Pathogenic. Review status: no assertion criteria provided. Collection method: clinical testing. Allele origin: germline. Affected: yes. Study: VKGL Data-share Consensus. Not counted in ClinVar's aggregate classification.

Genome Diagnostics Laboratory, Amsterdam University Medical Center
Classification: Pathogenic. Review status: no assertion criteria provided. Collection method: clinical testing. Allele origin: germline. Affected: yes. Study: VKGL Data-share Consensus. Not counted in ClinVar's aggregate classification.

Literature cited by the submitters: PubMed 17564967 (cited by 3billion and Institute of Human Genetics, Univ. Regensburg, Univ. Regensburg); PubMed 26047050 (cited by Natera, Inc.); PubMed 23847139 (cited by 3 submitters); PubMed 17617513 (cited by Natera, Inc. and Labcorp Genetics (formerly Invitae), Labcorp); PubMed 16909394 (cited by Labcorp Genetics (formerly Invitae), Labcorp); PubMed 17345604 (cited by Labcorp Genetics (formerly Invitae), Labcorp); PubMed 20690115 (cited by Labcorp Genetics (formerly Invitae), Labcorp); PubMed 21866095 (cited by Institute of Human Genetics, Univ. Regensburg, Univ. Regensburg); PubMed 25525159 (cited by Institute of Human Genetics, Univ. Regensburg, Univ. Regensburg); PubMed 31734136 (cited by Institute of Human Genetics, Univ. Regensburg, Univ. Regensburg); PubMed 31964843 (cited by Institute of Human Genetics, Univ. Regensburg, Univ. Regensburg); PubMed 32531858 (cited by Institute of Human Genetics, Univ. Regensburg, Univ. Regensburg); PubMed 34196655 (cited by Institute of Human Genetics, Univ. Regensburg, Univ. Regensburg).

NM_025114.4(CEP290):c.3811C>T (p.Arg1271Ter)

Gene: CEP290 (centrosomal protein 290; minus strand). Cytogenetic location: 12q21.32.
Variant type: single nucleotide variant.
Coding change: c.3811C>T on transcript NM_025114.4 (MANE Select); coding-DNA position 3811, C replaced by T.
Protein change: p.Arg1271Ter; replaces arginine 1271 with a stop codon.
Molecular consequence: nonsense.
Genome position (GRCh38, 1-based): chr12:88,089,250, G>A on the plus strand (C>T on the coding strand, the complement: CEP290 is on the minus strand). VCF-style: chr12-88089250-G-A. GRCh37 (hg19) VCF-style: chr12-88483027-G-A.
Other names: short protein forms R1271*.
Identifiers: ClinVar variation 950504 (VCV000950504.24), dbSNP rs1412133967, ClinGen allele CA386000654.